The following is an entry in ClinVar:

NM_000030.3(AGXT):c.289G>A (p.Gly97Arg)

Gene: AGXT (alanine--glyoxylate aminotransferase; plus strand). Cytogenetic location: 2q37.3.
Variant type: single nucleotide variant.
Coding change: c.289G>A on transcript NM_000030.3 (MANE Select); coding-DNA position 289, G replaced by A.
Protein change: p.Gly97Arg; replaces glycine 97 with arginine.
Molecular consequence: missense variant.
Genome position (GRCh38, 1-based): chr2:240,869,293, G>A. VCF-style: chr2-240869293-G-A. GRCh37 (hg19) VCF-style: chr2-241808710-G-A.
Other names: short protein forms G97R.
Identifiers: ClinVar variation 2574876 (VCV002574876.2), dbSNP rs2528740299, ClinGen allele CA351313736.
Genomic context (GRCh38, chr2:240,869,293, plus strand): 5'-GTCATCTCTGGCTCGGGACACTGTGCCCTGGAGGCCGCCCTGGTCAATGTGCTGGAGCCT[G>A]GGGACTCCTTCCTGGTTGGGGCCAATGGCATTTGGGGGCAGCGAGCCGTGGACATCGGGG-3'
Protein context (NP_000021.1, residues 87-107): EAALVNVLEP[Gly97Arg]DSFLVGANGI

ClinVar aggregate classification (germline): Uncertain significance (1 of 4 stars; one submission).

Allele frequency attached by ClinVar (database versions not stated): gnomAD exomes below 0.00001.

Submission:

GeneDx
Classification: Uncertain significance. Last evaluated: 2025-12-26. Review status: criteria provided, single submitter. Criteria: GeneDx Variant Classification Process June 2021. Collection method: clinical testing. Allele origin: germline. Affected: yes.
Comment: Not observed at significant frequency in large population cohorts (gnomAD); In silico analysis supports that this missense variant has a deleterious effect on protein structure/function; Has not been previously published as pathogenic or benign to our knowledge